The following is an entry in ClinVar:

ClinVar aggregate classification (germline): Uncertain significance (1 of 4 stars; one submission).

gnomAD v4.1: 1 of 1,587,906 alleles (0.000063%); highest among the groups gnomAD compares: Non-Finnish European, 0.000085%; no homozygotes.

Submission:

GeneDx
Classification: Uncertain significance. Last evaluated: 2025-04-23. Review status: criteria provided, single submitter. Criteria: GeneDx Variant Classification Process June 2021. Collection method: clinical testing. Allele origin: germline. Affected: yes.
Comment: Not observed at significant frequency in large population cohorts (gnomAD); In silico analysis supports that this missense variant has a deleterious effect on protein structure/function; Has not been previously published as pathogenic or benign to our knowledge

NM_005909.5(MAP1B):c.2108A>G (p.Glu703Gly)

Gene: MAP1B (microtubule associated protein 1B; plus strand). Cytogenetic location: 5q13.2.
Variant type: single nucleotide variant.
Coding change: c.2108A>G on transcript NM_005909.5 (MANE Select); coding-DNA position 2108, A replaced by G.
Protein change: p.Glu703Gly; replaces glutamic acid 703 with glycine.
Molecular consequence: missense variant.
Genome position (GRCh38, 1-based): chr5:72,195,463, A>G. VCF-style: chr5-72195463-A-G. GRCh37 (hg19) VCF-style: chr5-71491290-A-G.
Other names: c.1730A>G, p.Glu577Gly (NM_001324255.2); short protein forms E577G, E703G.
Identifiers: ClinVar variation 4527354 (VCV004527354.1).